The following is an entry in ClinVar:

NM_015202.5(KATNIP):c.1089C>T (p.Ala363=)

Gene: KATNIP (katanin interacting protein; plus strand). Cytogenetic location: 16p12.1.
Variant type: single nucleotide variant.
Coding change: c.1089C>T on transcript NM_015202.5 (MANE Select); coding-DNA position 1089, C replaced by T.
Protein change: p.Ala363=; no amino-acid change (alanine 363 retained).
Molecular consequence: synonymous variant.
Genome position (GRCh38, 1-based): chr16:27,698,476, C>T. VCF-style: chr16-27698476-C-T. GRCh37 (hg19) VCF-style: chr16-27709797-C-T.
Identifiers: ClinVar variation 713766 (VCV000713766.23), dbSNP rs61740297, ClinGen allele CA7977558.
Genomic context (GRCh38, chr16:27,698,476, plus strand): 5'-GCTCCAAGCCATCCAGGTGGAGAACGCAGCCCTGCAGAGGGCGCTCCTCAGCAGAAAGGC[C>T]GAGCAGCCAGCCAGCCCACTGCAGGTGCGCTCCGGGCTGGGAGAGGAACCGGGGGATGCT-3'
Protein context (NP_056017.4, residues 353-373): ALQRALLSRK[Ala363=]EQPASPLQDA

ClinVar aggregate classification (germline): Benign/Likely benign. Review status: criteria provided, multiple submitters, no conflicts (2 of 4 stars). 3 submissions from 3 submitters: Benign (1); Likely benign (2). Last evaluated 2026-03-01.

Allele frequency attached by ClinVar (database versions not stated): ESP Exome Variant Server 0.00223; gnomAD 0.00263 and 0.00279; TOPMed 0.00264; 1000 Genomes Project 0.00459; 1000 Genomes Project 30x 0.00500.
gnomAD v4.1: 854 of 1,610,778 alleles (0.053%); highest among the groups gnomAD compares: African/African-American, 0.87%; 7 homozygotes.

Submissions (3):

CeGaT Center for Human Genetics Tuebingen
Classification: Likely benign. Last evaluated: 2026-03-01. Review status: criteria provided, single submitter. Criteria: CeGaT Center For Human Genetics Tuebingen Variant Classification Criteria Version 2. Collection method: clinical testing. Allele origin: germline. Affected: yes. Observed: 3 variant alleles.
Comment: KATNIP: BP4, BP7

Labcorp Genetics (formerly Invitae), Labcorp
Classification: Benign. Last evaluated: 2026-01-29. Review status: criteria provided, single submitter. Criteria: Invitae Variant Classification Sherloc (09022015). Collection method: clinical testing. Allele origin: germline.

Blueprint Genetics
Classification: Likely benign. Last evaluated: 2024-10-08. Review status: criteria provided, single submitter. Criteria: ACMG Guidelines, 2015. Collection method: clinical testing. Allele origin: germline.